The following is an entry in ClinVar:

NM_001378964.1(CDON):c.3754G>C (p.Asp1252His)

Gene: CDON (cell adhesion associated, oncogene regulated; minus strand). Cytogenetic location: 11q24.2.
Variant type: single nucleotide variant.
Coding change: c.3754G>C on transcript NM_001378964.1 (MANE Select); coding-DNA position 3754, G replaced by C.
Protein change: p.Asp1252His; replaces aspartic acid 1252 with histidine.
Molecular consequence: missense variant.
Genome position (GRCh38, 1-based): chr11:125,960,983, C>G on the plus strand (G>C on the coding strand, the complement: CDON is on the minus strand). VCF-style: chr11-125960983-C-G. GRCh37 (hg19) VCF-style: chr11-125830878-C-G.
Other names: c.3823G>C, p.Asp1275His (NM_001243597.3); c.3754G>C, p.Asp1252His (NM_016952.6); short protein forms D1252H, D1275H.
Identifiers: ClinVar variation 877739 (VCV000877739.9), dbSNP rs150974313, ClinGen allele CA6351291.

ClinVar aggregate classification (germline): Conflicting classifications of pathogenicity. Review status: criteria provided, conflicting classifications (1 of 4 stars). 3 submissions from 3 submitters: Uncertain significance (1); Likely benign (2). Last evaluated 2024-11-09.

Conditions:
Inborn genetic diseases. Identifiers: MedGen C0950123, MeSH D030342.
Holoprosencephaly 11 (HPE11). Identifiers: Orphanet 2162, MedGen C3280215, MONDO:0013642, OMIM 614226.

Allele frequency attached by ClinVar (database versions not stated): gnomAD exomes 0.00005 and 0.00001; gnomAD 0.00015 and 0.00016; 1000 Genomes Project 30x 0.00031; ESP Exome Variant Server 0.00023; ExAC 0.00004; TOPMed 0.00018.
gnomAD v4.1: 42 of 1,614,222 alleles (0.0026%); highest among the groups gnomAD compares: African/African-American, 0.045%; no homozygotes.

Submissions (3):

Ambry Genetics
Classification: Likely benign for Inborn genetic diseases. Last evaluated: 2024-11-09. Review status: criteria provided, single submitter. Criteria: Ambry Variant Classification Scheme 2023. Collection method: clinical testing. Allele origin: germline.

Labcorp Genetics (formerly Invitae), Labcorp
Classification: Uncertain significance for Holoprosencephaly 11. Last evaluated: 2024-10-23. Review status: criteria provided, single submitter. Criteria: Invitae Variant Classification Sherloc (09022015). Collection method: clinical testing. Allele origin: germline.
Comment: This sequence change replaces aspartic acid, which is acidic and polar, with histidine, which is basic and polar, at codon 1252 of the CDON protein (p.Asp1252His). This variant is present in population databases (rs150974313, gnomAD 0.05%). This variant has not been reported in the literature in individuals affected with CDON-related conditions. ClinVar contains an entry for this variant (Variation ID: 877739). An algorithm developed to predict the effect of missense changes on protein structure and function (PolyPhen-2) suggests that this variant is likely to be disruptive. Algorithms developed to predict the effect of sequence changes on RNA splicing suggest that this variant may create or strengthen a splice site. In summary, the available evidence is currently insufficient to determine the role of this variant in disease. Therefore, it has been classified as a Variant of Uncertain Significance.

Illumina Laboratory Services, Illumina
Classification: Likely benign for Holoprosencephaly 11. Last evaluated: 2018-01-13. Review status: criteria provided, single submitter. Criteria: ICSL Variant Classification Criteria 13 December 2019. Collection method: clinical testing. Allele origin: germline.
Comment: This variant was observed in the ICSL laboratory as part of a predisposition screen in an ostensibly healthy population. It had not been previously curated by ICSL or reported in the Human Gene Mutation Database (HGMD: prior to June 1st, 2018), and was therefore a candidate for classification through an automated scoring system. Utilizing variant allele frequency, disease prevalence and penetrance estimates, and inheritance mode, an automated score was calculated to assess if this variant is too frequent to cause the disease. Based on the score and internal cut-off values, a variant classified as likely benign is not then subjected to further curation. The score for this variant resulted in a classification of likely benign for this disease.